The following is an entry in ClinVar:

ClinVar aggregate classification (germline): Uncertain significance. Review status: criteria provided, multiple submitters, no conflicts (2 of 4 stars). 6 submissions from 6 submitters: Uncertain significance (4). 2 of the submissions do not count toward it. Last evaluated 2025-09-01.

Conditions:
Glycogen storage disease due to phosphoglycerate kinase 1 deficiency. Also called: PGK1 DEFICIENCY; PHOSPHOGLYCERATE KINASE 1 DEFICIENCY WITH LEVO-DOPA-RESPONSIVE PARKINSONISM. Identifiers: Orphanet 713, MedGen C1970848, MONDO:0010392, OMIM 300653.
Inborn genetic diseases. Identifiers: MedGen C0950123, MeSH D030342.

Allele frequency attached by ClinVar (database versions not stated): TOPMed below 0.00001.
gnomAD v4.1: 3 of 1,208,491 alleles (0.00025%); highest among the groups gnomAD compares: Non-Finnish European, 0.00034%; no homozygotes.

Submissions (6):

CeGaT Center for Human Genetics Tuebingen
Classification: Uncertain significance. Last evaluated: 2025-09-01. Review status: criteria provided, single submitter. Criteria: CeGaT Center For Human Genetics Tuebingen Variant Classification Criteria Version 2. Collection method: clinical testing. Allele origin: germline. Affected: yes. Observed: 1 variant allele.
Comment: PGK1: PM2

Revvity Omics, Revvity
Classification: Uncertain significance for Glycogen storage disease due to phosphoglycerate kinase 1 deficiency. Last evaluated: 2024-12-30. Review status: criteria provided, single submitter. Criteria: ACMG Guidelines, 2015. Collection method: clinical testing. Allele origin: germline.

Institute of Immunology and Genetics Kaiserslautern
Classification: Uncertain significance for Glycogen storage disease due to phosphoglycerate kinase 1 deficiency. Last evaluated: 2022-07-26. Review status: criteria provided, single submitter. Criteria: ACMG Guidelines, 2015. Collection method: clinical testing. Allele origin: maternal. Affected: yes.
Comment: ACMG Criteria: PM2_P, PP3; Variant was found in hemizygous state.

Ambry Genetics
Classification: Uncertain significance for Inborn genetic diseases. Last evaluated: 2022-04-08. Review status: criteria provided, single submitter. Criteria: Ambry Variant Classification Scheme 2023. Collection method: clinical testing. Allele origin: germline.

Joint Genome Diagnostic Labs from Nijmegen and Maastricht, Radboudumc and MUMC+
Classification: Uncertain significance. Review status: no assertion criteria provided. Collection method: clinical testing. Allele origin: germline. Affected: yes. Study: VKGL Data-share Consensus. Not counted in ClinVar's aggregate classification.

Laboratory of Diagnostic Genome Analysis, Leiden University Medical Center (LUMC)
Classification: Uncertain significance. Review status: no assertion criteria provided. Collection method: clinical testing. Allele origin: germline. Affected: yes. Study: VKGL Data-share Consensus. Not counted in ClinVar's aggregate classification.

NM_000291.4(PGK1):c.887C>T (p.Ala296Val)

Gene: PGK1 (phosphoglycerate kinase 1; plus strand). Cytogenetic location: Xq21.1.
Variant type: single nucleotide variant.
Coding change: c.887C>T on transcript NM_000291.4 (MANE Select); coding-DNA position 887, C replaced by T.
Protein change: p.Ala296Val; replaces alanine 296 with valine.
Molecular consequence: missense variant.
Genome position (GRCh38, 1-based): chrX:78,123,325, C>T. VCF-style: chrX-78123325-C-T. GRCh37 (hg19) VCF-style: chrX-77378822-C-T.
Other names: c.887C>T (NM_000291.3); short protein forms A296V.
Identifiers: ClinVar variation 1206023 (VCV001206023.15), dbSNP rs200543437, ClinGen allele CA331586160.